The following is an entry in ClinVar:

NM_001048174.2(MUTYH):c.892A>G (p.Ser298Gly)

Gene: MUTYH (mutY DNA glycosylase; minus strand). Cytogenetic location: 1p34.1.
Variant type: single nucleotide variant.
Coding change: c.892A>G on transcript NM_001048174.2 (MANE Select); coding-DNA position 892, A replaced by G.
Protein change: p.Ser298Gly; replaces serine 298 with glycine.
Molecular consequence: missense variant. On other transcripts: non-coding transcript variant (7).
Genome position (GRCh38, 1-based): chr1:45,332,044, T>C on the plus strand (A>G on the coding strand, the complement: MUTYH is on the minus strand). VCF-style: chr1-45332044-T-C. GRCh37 (hg19) VCF-style: chr1-45797716-T-C.
Other names: c.892A>G, p.Ser298Gly (NM_001048171.2, NM_001048173.2, NM_001293195.2 and 6 more transcripts); c.895A>G, p.Ser299Gly (NM_001048172.2, NM_001407071.1, NM_001407078.1 and 1 more transcripts); c.976A>G, p.Ser326Gly (NM_001128425.2); c.937A>G, p.Ser313Gly (NM_001293190.2); c.925A>G, p.Ser309Gly (NM_001293191.2, NM_001407069.1, NM_001407077.1); c.616A>G, p.Ser206Gly (NM_001293192.2, NM_001293196.2, NM_001407091.1); c.547A>G, p.Ser183Gly (NM_001350650.2, NM_001350651.2, NM_001407082.1); c.808A>G, p.Ser270Gly (NM_001407075.1); and 5 more; short protein forms S183G, S285G, S299G, S305G, S326G, S312G, S323G, S284G.
Identifiers: ClinVar variation 4113979 (VCV004113979.1).

ClinVar aggregate classification (germline): Uncertain significance (1 of 4 stars; one submission).

Conditions:
Hereditary cancer-predisposing syndrome. Also called: Hereditary neoplastic syndrome; Neoplastic Syndromes, Hereditary; Tumor predisposition; Hereditary Cancer Syndrome. Identifiers: Orphanet 140162, MedGen C0027672, MeSH D009386, MONDO:0015356.

Submission:

Ambry Genetics
Classification: Uncertain significance for Hereditary cancer-predisposing syndrome. Last evaluated: 2025-08-27. Review status: criteria provided, single submitter. Criteria: Ambry Variant Classification Scheme 2023. Collection method: clinical testing. Allele origin: germline.
Comment: The p.S326G variant (also known as c.976A>G), located in coding exon 11 of the MUTYH gene, results from an A to G substitution at nucleotide position 976. The serine at codon 326 is replaced by glycine, an amino acid with similar properties. This amino acid position is conserved. In addition, this alteration is predicted to be tolerated by in silico analysis. Based on the available evidence, the clinical significance of this variant remains unclear.